The following is an entry in ClinVar:

NM_001267550.2(TTN):c.32054C>T (p.Ala10685Val)

Gene: TTN (titin; minus strand). Cytogenetic location: 2q31.2.
Variant type: single nucleotide variant.
Coding change: c.32054C>T on transcript NM_001267550.2 (MANE Select); coding-DNA position 32054, C replaced by T.
Protein change: p.Ala10685Val; replaces alanine 10685 with valine.
Molecular consequence: missense variant. On other transcripts: intron variant (3).
Genome position (GRCh38, 1-based): chr2:178,689,094, G>A on the plus strand (C>T on the coding strand, the complement: TTN is on the minus strand). VCF-style: chr2-178689094-G-A. GRCh37 (hg19) VCF-style: chr2-179553821-G-A.
Other names: p.A10368V:GCA>GTA; c.31103C>T, p.Ala10368Val (NM_001256850.1); c.28322C>T, p.Ala9441Val (NM_133378.4); c.13283-46777C>T (NM_003319.4); c.13859-46777C>T (NM_133437.4); c.13658-46777C>T (NM_133432.3); c.32054C>T (NM_001267550.1); short protein forms A10368V, A10685V, A9441V.
Identifiers: ClinVar variation 202569 (VCV000202569.29), dbSNP rs794729407, ClinGen allele CA309617.

ClinVar aggregate classification (germline): Conflicting classifications of pathogenicity. Review status: criteria provided, conflicting classifications (1 of 4 stars). 5 submissions from 5 submitters: Uncertain significance (3); Likely benign (2). Last evaluated 2026-09-21.

Conditions:
TTN-related disorder. Also called: TTN-related condition; TTN-related disease; TTN-related disorders.
Early-onset myopathy with fatal cardiomyopathy (CMYO5). Also called: Salih Myopathy; CONGENITAL MYOPATHY 5 WITH CARDIOMYOPATHY. Identifiers: Orphanet 289377, MedGen C2673677, MONDO:0012714, OMIM 611705. Disease mechanism: loss of function.
Autosomal recessive limb-girdle muscular dystrophy type 2J (LGMDR10). Also called: Limb-girdle muscular dystrophy, type 2J; MUSCULAR DYSTROPHY, LIMB-GIRDLE, AUTOSOMAL RECESSIVE 10. Identifiers: Orphanet 140922, MedGen C1837342, MONDO:0012127, OMIM 608807.
Myopathy, myofibrillar, 9, with early respiratory failure (MFM9). Also called: EDSTROM MYOPATHY; MYOPATHY, PROXIMAL, WITH EARLY RESPIRATORY MUSCLE INVOLVEMENT; Myopathy, distal, with early respiratory failure, autosomal dominant; Hereditary myopathy with early respiratory failure. Identifiers: Orphanet 178464, Orphanet 34521, MedGen C1863599, MONDO:0011362, OMIM 603689.
Dilated cardiomyopathy 1G (CMD1G). Identifiers: Orphanet 154, MedGen C1858763, MONDO:0011400, OMIM 604145.
Tibial muscular dystrophy (TMD). Also called: Tibial muscular dystrophy, tardive; UDD MYOPATHY; Udd Distal Myopathy – Tibial Muscular Dystrophy. Identifiers: Orphanet 609, MedGen C1838244, MONDO:0010870, OMIM 600334.
Hypertrophic cardiomyopathy 9. Also called: Familial hypertrophic cardiomyopathy 9. Identifiers: MedGen C1861065, MONDO:0013412, OMIM 613765.

Allele frequency attached by ClinVar (database versions not stated): gnomAD exomes 0.00001; TOPMed 0.00001.
gnomAD v4.1: 12 of 1,608,264 alleles (0.00075%); highest among the groups gnomAD compares: African/African-American, 0.0068%; no homozygotes.

Submissions (5):

PreventionGenetics, part of Exact Sciences
Classification: Uncertain significance for TTN-related condition. Last evaluated: 2026-09-21. Review status: criteria provided, single submitter. Criteria: ACMG Guidelines, 2015. Collection method: clinical testing. Allele origin: germline.
Comment: The TTN c.32054C>T variant is predicted to result in the amino acid substitution p.Ala10685Val. This variant has been reported in a cohort of individuals with catecholaminergic polymorphic ventricular tachycardia (described as p.Ala9441Val/rs794729407, Martínez-Barrio et al. 2022. PubMed ID: 35207729). This variant is absent in a large population database (gnomAD), indicating this variant is rare. At this time, the clinical significance of this variant is uncertain due to the absence of conclusive functional and genetic evidence.

GeneDx
Classification: Uncertain significance. Last evaluated: 2023-03-01. Review status: criteria provided, single submitter. Criteria: GeneDx Variant Classification Process June 2021. Collection method: clinical testing. Allele origin: germline. Affected: yes.
Comment: Not observed at significant frequency in large population cohorts (gnomAD); Missense variant in a gene in which most reported pathogenic variants are truncating/loss of function; Has not been previously published as pathogenic or benign to our knowledge

CeGaT Center for Human Genetics Tuebingen
Classification: Likely benign. Last evaluated: 2022-04-01. Review status: criteria provided, single submitter. Criteria: CeGaT Center For Human Genetics Tuebingen Variant Classification Criteria Version 2. Collection method: clinical testing. Allele origin: germline. Affected: yes. Observed: 1 variant allele.
Comment: TTN: BP4

Fulgent Genetics
Classification: Uncertain significance for Tibial muscular dystrophy; Myopathy, myofibrillar, 9, with early respiratory failure; Dilated cardiomyopathy 1G; Autosomal recessive limb-girdle muscular dystrophy type 2J; Early-onset myopathy with fatal cardiomyopathy; Hypertrophic cardiomyopathy 9. Last evaluated: 2021-08-26. Review status: criteria provided, single submitter. Criteria: ACMG Guidelines, 2015. Collection method: clinical testing. Allele origin: unknown.

Blueprint Genetics
Classification: Likely benign. Last evaluated: 2021-05-07. Review status: criteria provided, single submitter. Criteria: ACMG Guidelines, 2015. Collection method: clinical testing. Allele origin: germline.